The following is an entry in ClinVar:

NM_019045.5(WDR44):c.642C>T (p.Pro214=)

Gene: WDR44 (WD repeat domain 44; plus strand). Cytogenetic location: Xq24.
Variant type: single nucleotide variant.
Coding change: c.642C>T on transcript NM_019045.5 (MANE Select); coding-DNA position 642, C replaced by T.
Protein change: p.Pro214=; no amino-acid change (proline 214 retained).
Molecular consequence: synonymous variant.
Genome position (GRCh38, 1-based): chrX:118,393,087, C>T. VCF-style: chrX-118393087-C-T. GRCh37 (hg19) VCF-style: chrX-117527050-C-T.
Other names: c.642C>T, p.Pro214= (NM_001184965.2); c.567C>T, p.Pro189= (NM_001184966.1).
Identifiers: ClinVar variation 2661263 (VCV002661263.24), dbSNP rs142152686, ClinGen allele CA10498281.

ClinVar aggregate classification (germline): Likely benign (1 of 4 stars; one submission).

Allele frequency attached by ClinVar (database versions not stated): gnomAD 0.00005; gnomAD exomes 0.00005; TOPMed 0.00005; ExAC 0.00009; ESP Exome Variant Server 0.00019.
gnomAD v4.1: 62 of 1,210,265 alleles (0.0051%); highest among the groups gnomAD compares: Non-Finnish European, 0.0069%; no homozygotes.

Submission:

CeGaT Center for Human Genetics Tuebingen
Classification: Likely benign. Last evaluated: 2022-12-01. Review status: criteria provided, single submitter. Criteria: CeGaT Center For Human Genetics Tuebingen Variant Classification Criteria Version 2. Collection method: clinical testing. Allele origin: germline. Affected: yes. Observed: 1 variant allele.
Comment: WDR44: BP4, BP7, BS2